The following is an entry in ClinVar:

NM_020884.7(MYH7B):c.2183+10C>T

Gene: MYH7B (myosin heavy chain 7B; plus strand). Cytogenetic location: 20q11.22.
Variant type: single nucleotide variant.
Coding change: c.2183+10C>T on transcript NM_020884.7 (MANE Select); 10 bases into the intron after coding-DNA position 2183, C replaced by T.
Molecular consequence: intron variant.
Genome position (GRCh38, 1-based): chr20:34,991,131, C>T. VCF-style: chr20-34991131-C-T. GRCh37 (hg19) VCF-style: chr20-33578934-C-T.
Identifiers: ClinVar variation 3041489 (VCV003041489.2), dbSNP rs1437614259, ClinGen allele CA635721023.

ClinVar aggregate classification (germline): Likely benign (0 of 4 stars; one submission).

Conditions:
MYH7B-related disorder. Also called: MYH7B-related condition.

Allele frequency attached by ClinVar (database versions not stated): gnomAD exomes 0.00003; TOPMed 0.00004; gnomAD 0.00005.
gnomAD v4.1: 49 of 1,580,968 alleles (0.0031%); highest among the groups gnomAD compares: Non-Finnish European, 0.0041%; no homozygotes.

Submission:

PreventionGenetics, part of Exact Sciences
Classification: Likely benign for MYH7B-related condition. Last evaluated: 2019-05-08. Review status: no assertion criteria provided. Collection method: clinical testing. Allele origin: germline.
Comment: This variant is classified as likely benign based on ACMG/AMP sequence variant interpretation guidelines (Richards et al. 2015 PMID: 25741868, with internal and published modifications).